The following is an entry in ClinVar:

ClinVar aggregate classification (germline): Pathogenic. Review status: criteria provided, multiple submitters, no conflicts (2 of 4 stars). 2 submissions from 2 submitters: Pathogenic (2). Last evaluated 2018-05-30.

Conditions:
Maturity-onset diabetes of the young (MODY). Also called: Maturity onset diabetes mellitus in young. Identifiers: Orphanet 552, MedGen C0342276, MONDO:0018911, HP:0004904.

Submissions (2):

Athena Diagnostics
Classification: Pathogenic. Last evaluated: 2018-05-30. Review status: criteria provided, single submitter. Criteria: Athena Diagnostics Criteria. Collection method: clinical testing. Allele origin: germline.

Clinical Genomics, Uppaluri K&H Personalized Medicine Clinic
Classification: Pathogenic for Maturity-onset diabetes of the young. Review status: criteria provided, single submitter. Criteria: K & H Uppaluri Personalized Medicine Clinic Variant Classification & Assertion Criteria_Updated V.1. Collection method: research. Allele origin: unknown. Inheritance: Autosomal dominant inheritance.
Comment: Mutations in HNF1A gene can predispose to MODY3. It is associated with both micro and macrovascular complications of diabetes, especially cardiovascular complications. Associated with glucosuria. May respond well to sulfonylureas. However, more evidence is required to confer the association of this particular variant rs1565887211 with MODY3.

Literature cited by the submitters: PubMed 21224407 (cited by Athena Diagnostics); PubMed 23616187 (cited by Athena Diagnostics); PubMed 25525159 (cited by Athena Diagnostics); PubMed 31517624 (cited by Clinical Genomics, Uppaluri K&H Personalized Medicine Clinic); PubMed 32395877 (cited by Clinical Genomics, Uppaluri K&H Personalized Medicine Clinic); PubMed 35328643 (cited by Clinical Genomics, Uppaluri K&H Personalized Medicine Clinic); PubMed 35673428 (cited by Clinical Genomics, Uppaluri K&H Personalized Medicine Clinic).

NM_000545.8(HNF1A):c.1483C>T (p.Gln495Ter)

Gene: HNF1A (HNF1 homeobox A; plus strand). Cytogenetic location: 12q24.31.
Variant type: single nucleotide variant.
Coding change: c.1483C>T on transcript NM_000545.8 (MANE Select); coding-DNA position 1483, C replaced by T.
Protein change: p.Gln495Ter; replaces glutamine 495 with a stop codon.
Molecular consequence: nonsense.
Genome position (GRCh38, 1-based): chr12:120,997,647, C>T. VCF-style: chr12-120997647-C-T. GRCh37 (hg19) VCF-style: chr12-121435450-C-T.
Other names: c.1483C>T, p.Gln495Ter (NM_001306179.2); short protein forms Q495*.
Identifiers: ClinVar variation 586785 (VCV000586785.2), dbSNP rs1565887211, ClinGen allele CA386970362.
Genomic context (GRCh38, chr12:120,997,647, plus strand): 5'-CCGCTCATGCCACCTGTGCAGAGCCATGTGACCCAGAGCCCCTTCATGGCCACCATGGCT[C>T]AGCTGCAGAGCCCCCACGGTGAGCGCCCTGTGCCCCACACAGCAGGAGATGATGATAGAG-3'